The following is an entry in ClinVar:

ClinVar aggregate classification (germline): Uncertain significance. Review status: criteria provided, multiple submitters, no conflicts (2 of 4 stars). 3 submissions from 3 submitters: Uncertain significance (3). Last evaluated 2025-09-11.

Conditions:
Autosomal dominant childhood-onset proximal spinal muscular atrophy with contractures (SMALED2A). Also called: SPINAL MUSCULAR ATROPHY, LOWER EXTREMITY-PREDOMINANT, 2A, CHILDHOOD ONSET, AUTOSOMAL DOMINANT; Spinal muscular atrophy, lower extremity-predominant, 2A, autosomal dominant. Identifiers: Orphanet 363447, Orphanet 363454, MedGen C4747715, MONDO:0014121, OMIM 615290.
Inborn genetic diseases. Identifiers: MedGen C0950123, MeSH D030342.

Allele frequency attached by ClinVar (database versions not stated): gnomAD exomes below 0.00001; TOPMed below 0.00001; ExAC 0.00001.
gnomAD v4.1: 2 of 1,611,734 alleles (0.00012%); highest among the groups gnomAD compares: Non-Finnish European, 0.00017%; no homozygotes.

Submissions (3):

Labcorp Genetics (formerly Invitae), Labcorp
Classification: Uncertain significance for Autosomal dominant childhood-onset proximal spinal muscular atrophy with contractures. Last evaluated: 2025-09-11. Review status: criteria provided, single submitter. Criteria: Invitae Variant Classification Sherloc (09022015). Collection method: clinical testing. Allele origin: germline.
Comment: This sequence change replaces serine, which is neutral and polar, with leucine, which is neutral and non-polar, at codon 745 of the BICD2 protein (p.Ser745Leu). This variant is present in population databases (rs781440350, gnomAD 0.0009%). This variant has not been reported in the literature in individuals affected with BICD2-related conditions. ClinVar contains an entry for this variant (Variation ID: 2740313). Invitae Evidence Modeling of protein sequence and biophysical properties (such as structural, functional, and spatial information, amino acid conservation, physicochemical variation, residue mobility, and thermodynamic stability) indicates that this missense variant is expected to disrupt BICD2 protein function with a positive predictive value of 80%. In summary, the available evidence is currently insufficient to determine the role of this variant in disease. Therefore, it has been classified as a Variant of Uncertain Significance.

Ambry Genetics
Classification: Uncertain significance for Inborn genetic diseases. Last evaluated: 2024-04-15. Review status: criteria provided, single submitter. Criteria: Ambry Variant Classification Scheme 2023. Collection method: clinical testing. Allele origin: germline.

Molecular Genetics, Royal Melbourne Hospital
Classification: Uncertain significance for Autosomal dominant childhood-onset proximal spinal muscular atrophy with contractures. Last evaluated: 2022-06-02. Review status: criteria provided, single submitter. Criteria: ACMG Guidelines, 2015. Collection method: clinical testing. Allele origin: germline.
Comment: This sequence change in BICD2 is predicted to replace serine with leucine at codon 745, p.(Ser745Leu). The serine residue is highly conserved (100 vertebrates, UCSC), and is located in the coiled-coil 3 domain in a region (amino acids 734-747) that is defined as a mutational hotspot (PMID: 32057122). There is a large physicochemical difference between serine and leucine. This variant is absent from gnomAD v3.1. To our knowledge, this variant has not been reported in the literature in any individuals with BICD2-related disease. Multiple lines of computational evidence predict a deleterious effect for the missense substitution (5/6 algorithms). Based on the classification scheme RMH Modified ACMG Guidelines v1.5.1, this variant is classified as a VARIANT OF UNCERTAIN SIGNIFICANCE. Following criteria are met: PM1, PM2_Supporting, PP3.

Literature cited by the submitters: PubMed 32057122 (cited by Molecular Genetics, Royal Melbourne Hospital).

NM_001003800.2(BICD2):c.2234C>T (p.Ser745Leu)

Gene: BICD2 (BICD cargo adaptor 2; minus strand). Cytogenetic location: 9q22.31.
Variant type: single nucleotide variant.
Coding change: c.2234C>T on transcript NM_001003800.2 (MANE Select); coding-DNA position 2234, C replaced by T.
Protein change: p.Ser745Leu; replaces serine 745 with leucine.
Molecular consequence: missense variant.
Genome position (GRCh38, 1-based): chr9:92,717,821, G>A on the plus strand (C>T on the coding strand, the complement: BICD2 is on the minus strand). VCF-style: chr9-92717821-G-A. GRCh37 (hg19) VCF-style: chr9-95480103-G-A.
Other names: c.2234C>T (NM_001003800.1); c.2234C>T, p.Ser745Leu (NM_015250.4); short protein forms S745L.
Identifiers: ClinVar variation 2740313 (VCV002740313.5), dbSNP rs781440350, ClinGen allele CA5126369.